The following is an entry in ClinVar:

ClinVar aggregate classification (germline): Uncertain significance (1 of 4 stars; one submission).

Conditions:
Hereditary breast ovarian cancer syndrome. Also called: Hereditary breast and/or ovarian cancer syndrome; Hereditary breast and ovarian cancer syndrome (HBOC); Breast and ovarian cancer; Hereditary breast and ovarian cancer syndrome; Hereditary breast and ovarian cancer; BRCA1- and BRCA2-Associated Hereditary Breast and Ovarian Cancer. Identifiers: Orphanet 145, MedGen C0677776, MeSH D061325, MONDO:0003582. Disease mechanism: loss of function.

Submission:

Labcorp Genetics (formerly Invitae), Labcorp
Classification: Uncertain significance for Hereditary breast ovarian cancer syndrome. Last evaluated: 2023-12-24. Review status: criteria provided, single submitter. Criteria: Invitae Variant Classification Sherloc (09022015). Collection method: clinical testing. Allele origin: germline.
Comment: This sequence change replaces isoleucine, which is neutral and non-polar, with leucine, which is neutral and non-polar, at codon 2615 of the BRCA2 protein (p.Ile2615Leu). This variant is not present in population databases (gnomAD no frequency). This variant has not been reported in the literature in individuals affected with BRCA2-related conditions. Advanced modeling of protein sequence and biophysical properties (such as structural, functional, and spatial information, amino acid conservation, physicochemical variation, residue mobility, and thermodynamic stability) performed at Invitae indicates that this missense variant is not expected to disrupt BRCA2 protein function with a negative predictive value of 95%. In summary, the available evidence is currently insufficient to determine the role of this variant in disease. Therefore, it has been classified as a Variant of Uncertain Significance.

NM_000059.4(BRCA2):c.7843A>C (p.Ile2615Leu)

Gene: BRCA2 (BRCA2 DNA repair associated; plus strand). Cytogenetic location: 13q13.1.
Variant type: single nucleotide variant.
Coding change: c.7843A>C on transcript NM_000059.4 (MANE Select); coding-DNA position 7843, A replaced by C.
Protein change: p.Ile2615Leu; replaces isoleucine 2615 with leucine.
Molecular consequence: missense variant. On other transcripts: non-coding transcript variant (1).
Genome position (GRCh38, 1-based): chr13:32,362,560, A>C. VCF-style: chr13-32362560-A-C. GRCh37 (hg19) VCF-style: chr13-32936697-A-C.
Other names: c.7747A>C, p.Ile2583Leu (NM_001406719.1); c.7843A>C, p.Ile2615Leu (NM_001406720.1); c.2911A>C, p.Ile971Leu (NM_001406721.1); c.1426A>C, p.Ile476Leu (NM_001406722.1); short protein forms I476L, I2615L, I2583L, I971L.
Identifiers: ClinVar variation 2705185 (VCV002705185.3), dbSNP rs1358533972, ClinGen allele CA387747030.